The following is an entry in ClinVar:

ClinVar aggregate classification (germline): Uncertain significance (1 of 4 stars; one submission).

Conditions:
Glycogen storage disease IV, classic hepatic. Also called: GSD IV, CLASSIC HEPATIC. Identifiers: MedGen C1856301.
Glycogen storage disease, type IV (GSD4). Also called: AMYLOPECTINOSIS; ANDERSEN DISEASE; BRANCHER DEFICIENCY; CIRRHOSIS, FAMILIAL, WITH DEPOSITION OF ABNORMAL GLYCOGEN; Glycogen storage disease due to glycogen branching enzyme deficiency; GBE1 DEFICIENCY. Identifiers: Orphanet 367, MedGen C0017923, MONDO:0009292, OMIM 232500.

Allele frequency attached by ClinVar (database versions not stated): ExAC 0.00001; gnomAD exomes 0.00002.
gnomAD v4.1: 8 of 1,608,520 alleles (0.0005%); highest among the groups gnomAD compares: Admixed American, 0.0067%; no homozygotes.

Submission:

Labcorp Genetics (formerly Invitae), Labcorp
Classification: Uncertain significance for Glycogen storage disease, type IV; Glycogen storage disease IV, classic hepatic. Last evaluated: 2025-06-02. Review status: criteria provided, single submitter. Criteria: Invitae Variant Classification Sherloc (09022015). Collection method: clinical testing. Allele origin: germline.
Comment: This sequence change replaces aspartic acid, which is acidic and polar, with asparagine, which is neutral and polar, at codon 179 of the GBE1 protein (p.Asp179Asn). This variant is present in population databases (rs758425725, gnomAD 0.01%). This variant has not been reported in the literature in individuals affected with GBE1-related conditions. ClinVar contains an entry for this variant (Variation ID: 1431157). Invitae Evidence Modeling of protein sequence and biophysical properties (such as structural, functional, and spatial information, amino acid conservation, physicochemical variation, residue mobility, and thermodynamic stability) indicates that this missense variant is not expected to disrupt GBE1 protein function with a negative predictive value of 95%. In summary, the available evidence is currently insufficient to determine the role of this variant in disease. Therefore, it has been classified as a Variant of Uncertain Significance.

NM_000158.4(GBE1):c.535G>A (p.Asp179Asn)

Gene: GBE1 (1,4-alpha-glucan branching enzyme 1; minus strand). Cytogenetic location: 3p12.2.
Variant type: single nucleotide variant.
Coding change: c.535G>A on transcript NM_000158.4 (MANE Select); coding-DNA position 535, G replaced by A.
Protein change: p.Asp179Asn; replaces aspartic acid 179 with asparagine.
Molecular consequence: missense variant.
Genome position (GRCh38, 1-based): chr3:81,649,816, C>T on the plus strand (G>A on the coding strand, the complement: GBE1 is on the minus strand). VCF-style: chr3-81649816-C-T. GRCh37 (hg19) VCF-style: chr3-81698967-C-T.
Other names: short protein forms D179N.
Identifiers: ClinVar variation 1431157 (VCV001431157.7), dbSNP rs758425725, ClinGen allele CA2499942.